The following is an entry in ClinVar:

ClinVar aggregate classification (germline): Uncertain significance (1 of 4 stars; one submission).

Submission:

GeneDx
Classification: Uncertain significance. Last evaluated: 2025-06-09. Review status: criteria provided, single submitter. Criteria: GeneDx Variant Classification Process June 2021. Collection method: clinical testing. Allele origin: germline. Affected: yes.
Comment: Not observed at significant frequency in large population cohorts (gnomAD); In silico analysis suggests that this missense variant does not alter protein structure/function; Has not been previously published as pathogenic or benign to our knowledge

NM_018896.5(CACNA1G):c.6632C>G (p.Thr2211Ser)

Gene: CACNA1G (calcium voltage-gated channel subunit alpha1 G; plus strand). Cytogenetic location: 17q21.33.
Variant type: single nucleotide variant.
Coding change: c.6632C>G on transcript NM_018896.5 (MANE Select); coding-DNA position 6632, C replaced by G.
Protein change: p.Thr2211Ser; replaces threonine 2211 with serine.
Molecular consequence: missense variant. On other transcripts: non-coding transcript variant (5), intron variant (3).
Genome position (GRCh38, 1-based): chr17:50,626,249, C>G. VCF-style: chr17-50626249-C-G. GRCh37 (hg19) VCF-style: chr17-48703610-C-G.
Other names: c.6154-71C>G (NM_001256334.2); c.6187-71C>G (NM_001256333.2); c.6085-71C>G (NM_198376.3); c.6284C>G, p.Thr2095Ser (NM_198382.3); c.6419C>G, p.Thr2140Ser (NM_198383.3); c.6353C>G, p.Thr2118Ser (NM_198384.3); c.6497C>G, p.Thr2166Ser (NM_198385.3); c.6299C>G, p.Thr2100Ser (NM_198386.3); and 18 more; short protein forms T2061S, T2066S, T2073S, T2077S, T2080S, T2082S, T2084S, T2091S.
Identifiers: ClinVar variation 4538034 (VCV004538034.1).